The following is an entry in ClinVar:

NM_000274.4(OAT):c.658_659delinsGAACGCAGCCACATTT (p.Gln220fs)

Genes: OAT (ornithine aminotransferase; minus strand), LOC121815974 (Sharpr-MPRA regulatory region 15365; plus strand). Cytogenetic location: 10q26.13.
Variant type: Indel.
Coding change: c.658_659delinsGAACGCAGCCACATTT on transcript NM_000274.4 (MANE Select); coding-DNA positions 658 to 659, CA replaced by GAACGCAGCCACATTT.
Protein change: p.Gln220fs; shifts the reading frame from glutamine 220.
Molecular consequence: frameshift variant.
Genome position (GRCh38, 1-based): chr10:124,403,910-124,403,911, TG replaced by AAATGTGGCTGCGTTC on the plus strand (CA replaced by GAACGCAGCCACATTT on the coding strand, the reverse complement: OAT is on the minus strand). VCF-style: chr10-124403910-TG-AAATGTGGCTGCGTTC. GRCh37 (hg19) VCF-style: chr10-126092479-TG-AAATGTGGCTGCGTTC.
Other names: c.244_245delinsGAACGCAGCCACATTT, p.Gln82fs (NM_001171814.2); c.658_659delinsGAACGCAGCCACATTT, p.Gln220fs (NM_001322965.2, NM_001322966.2, NM_001322967.2 and 3 more transcripts); c.337_338delinsGAACGCAGCCACATTT, p.Gln113fs (NM_001322971.2); c.58_59delinsGAACGCAGCCACATTT, p.Gln20fs (NM_001322974.2); short protein forms Q113fs, Q20fs, Q220fs, Q82fs.
Identifiers: ClinVar variation 5010712 (VCV005010712.1).
Genomic context (GRCh38, chr10:124,403,910, plus strand): 5'-ACAACAACGCCTGCTTCACCCTGAATTGGTTCTACCATGAACGCAGCCACATTTGGATCC[TG>AAATGTGGCTGCGTTC]AAGAGCACGCTACAGAAGAAACAGGAATAAGTTTTAATAACTTCCTTTCTACCACACTTG-3'

ClinVar aggregate classification (germline): Pathogenic (1 of 4 stars; one submission).

Conditions:
Ornithine aminotransferase deficiency (GACR). Also called: HYPERORNITHINEMIA WITH GYRATE ATROPHY OF CHOROID AND RETINA; OAT DEFICIENCY; OKT DEFICIENCY; Ornithine ketoacid aminotransferase deficiency; Gyrate atrophy; Gyrate atrophy of choroid and retina. Identifiers: Orphanet 414, MedGen C0018425, MONDO:0009796, OMIM 258870.

Submission:

Myriad Genetics, Inc.
Classification: Pathogenic for Ornithine aminotransferase deficiency. Last evaluated: 2024-05-14. Review status: criteria provided, single submitter. Criteria: Myriad Autosomal Dominant, Autosomal Recessive and X-Linked Classification Criteria (2023). Collection method: clinical testing. Allele origin: unknown.
Comment: NM_000274.3(OAT):c.658_659del2ins16(Q220Efs*15) is expected to be pathogenic in the context of ornithine aminotransferase deficiency. This variant is predicted to lead to an abnormal or absent protein product due to the creation of a premature termination codon in OAT, a gene where loss-of-function variants are known to be pathogenic. Please note: this variant was assessed in the context of healthy population screening.